The following is an entry in ClinVar:

ClinVar aggregate classification (germline): Uncertain significance (1 of 4 stars; one submission).

Conditions:
Familial thoracic aortic aneurysm and aortic dissection (TAAD). Also called: Thoracic aortic aneurysms and dissections. Identifiers: Orphanet 91387, MedGen C4707243, MONDO:0019625.

gnomAD v4.1: 1 of 1,612,418 alleles (0.000062%); highest among the groups gnomAD compares: Non-Finnish European, 0.000085%; no homozygotes.

Submission:

Ambry Genetics
Classification: Uncertain significance for Familial thoracic aortic aneurysm and aortic dissection. Last evaluated: 2025-03-04. Review status: criteria provided, single submitter. Criteria: Ambry Variant Classification Scheme 2023. Collection method: clinical testing. Allele origin: germline.
Comment: The p.Y408C variant (also known as c.1223A>G), located in coding exon 4 of the SKI gene, results from an A to G substitution at nucleotide position 1223. The tyrosine at codon 408 is replaced by cysteine, an amino acid with highly dissimilar properties. This amino acid position is conserved. In addition, the in silico prediction for this alteration is inconclusive. Based on the available evidence, the clinical significance of this variant remains unclear.

NM_003036.4(SKI):c.1223A>G (p.Tyr408Cys)

Gene: SKI (SKI proto-oncogene; plus strand). Cytogenetic location: 1p36.32.
Variant type: single nucleotide variant.
Coding change: c.1223A>G on transcript NM_003036.4 (MANE Select); coding-DNA position 1223, A replaced by G.
Protein change: p.Tyr408Cys; replaces tyrosine 408 with cysteine.
Molecular consequence: missense variant.
Genome position (GRCh38, 1-based): chr1:2,303,851, A>G. VCF-style: chr1-2303851-A-G. GRCh37 (hg19) VCF-style: chr1-2235290-A-G.
Other names: short protein forms Y408C.
Identifiers: ClinVar variation 3796276 (VCV003796276.1).